The following is an entry in ClinVar:

NM_024757.5(EHMT1):c.146C>T (p.Ala49Val)

Gene: EHMT1 (euchromatic histone lysine methyltransferase 1; plus strand). Cytogenetic location: 9q34.3.
Variant type: single nucleotide variant.
Coding change: c.146C>T on transcript NM_024757.5 (MANE Select); coding-DNA position 146, C replaced by T.
Protein change: p.Ala49Val; replaces alanine 49 with valine.
Molecular consequence: missense variant.
Genome position (GRCh38, 1-based): chr9:137,716,686, C>T. VCF-style: chr9-137716686-C-T. GRCh37 (hg19) VCF-style: chr9-140611138-C-T.
Other names: c.146C>T, p.Ala49Val (NM_001145527.2, NM_001354263.2, NM_001354611.2); c.53C>T, p.Ala18Val (NM_001354259.2, NM_001354612.2); short protein forms A18V, A49V.
Identifiers: ClinVar variation 2792793 (VCV002792793.3), dbSNP rs1945342753, ClinGen allele CA375762589.

ClinVar aggregate classification (germline): Uncertain significance (1 of 4 stars; one submission).

Conditions:
Kleefstra syndrome 1 (KLEFS1). Identifiers: Orphanet 261494, MedGen C0795833, MONDO:0027407, OMIM 610253.

Allele frequency attached by ClinVar (database versions not stated): TOPMed 0.00001.

Submission:

Labcorp Genetics (formerly Invitae), Labcorp
Classification: Uncertain significance for Kleefstra syndrome 1. Last evaluated: 2023-10-07. Review status: criteria provided, single submitter. Criteria: Invitae Variant Classification Sherloc (09022015). Collection method: clinical testing. Allele origin: germline.
Comment: This sequence change replaces alanine, which is neutral and non-polar, with valine, which is neutral and non-polar, at codon 49 of the EHMT1 protein (p.Ala49Val). This variant is not present in population databases (gnomAD no frequency). This variant has not been reported in the literature in individuals affected with EHMT1-related conditions. An algorithm developed to predict the effect of missense changes on protein structure and function (PolyPhen-2) suggests that this variant is likely to be tolerated. In summary, the available evidence is currently insufficient to determine the role of this variant in disease. Therefore, it has been classified as a Variant of Uncertain Significance.